The following is an entry in ClinVar:

NM_006118.4(HAX1):c.546A>T (p.Arg182Ser)

Gene: HAX1 (HCLS1 associated protein X-1; plus strand). Cytogenetic location: 1q21.3.
Variant type: single nucleotide variant.
Coding change: c.546A>T on transcript NM_006118.4 (MANE Select); coding-DNA position 546, A replaced by T.
Protein change: p.Arg182Ser; replaces arginine 182 with serine.
Molecular consequence: missense variant.
Genome position (GRCh38, 1-based): chr1:154,274,991, A>T. VCF-style: chr1-154274991-A-T. GRCh37 (hg19) VCF-style: chr1-154247467-A-T.
Other names: c.402A>T, p.Arg134Ser (NM_001018837.2); short protein forms R134S, R182S.
Identifiers: ClinVar variation 3524078 (VCV003524078.1).

ClinVar aggregate classification (germline): Uncertain significance (1 of 4 stars; one submission).

Conditions:
Inborn genetic diseases. Identifiers: MedGen C0950123, MeSH D030342.

Submission:

Ambry Genetics
Classification: Uncertain significance for Inborn genetic diseases. Last evaluated: 2024-11-21. Review status: criteria provided, single submitter. Criteria: Ambry Variant Classification Scheme 2023. Collection method: clinical testing. Allele origin: germline.
Comment: The p.R182S variant (also known as c.546A>T), located in coding exon 4 of the HAX1 gene, results from an A to T substitution at nucleotide position 546. The arginine at codon 182 is replaced by serine, an amino acid with dissimilar properties. This amino acid position is conserved. In addition, this alteration is predicted to be tolerated by in silico analysis. Based on the available evidence, the clinical significance of this variant remains unclear.